The following is an entry in ClinVar:

NM_001378.3(DYNC1I2):c.883C>T (p.Leu295Phe)

Gene: DYNC1I2 (dynein cytoplasmic 1 intermediate chain 2; plus strand). Cytogenetic location: 2q31.1.
Variant type: single nucleotide variant.
Coding change: c.883C>T on transcript NM_001378.3 (MANE Select); coding-DNA position 883, C replaced by T.
Protein change: p.Leu295Phe; replaces leucine 295 with phenylalanine.
Molecular consequence: missense variant.
Genome position (GRCh38, 1-based): chr2:171,726,803, C>T. VCF-style: chr2-171726803-C-T. GRCh37 (hg19) VCF-style: chr2-172583313-C-T.
Other names: c.883C>T, p.Leu295Phe (NM_001271785.2); c.859C>T, p.Leu287Phe (NM_001271786.2, NM_001271787.2); c.805C>T, p.Leu269Phe (NM_001271788.2, NM_001271789.2, NM_001271790.2 and 1 more transcripts); c.865C>T, p.Leu289Phe (NM_001320882.2, NM_001320883.2, NM_001378455.1 and 1 more transcripts); short protein forms L269F, L287F, L289F, L295F.
Identifiers: ClinVar variation 5018566 (VCV005018566.2).
Genomic context (GRCh38, chr2:171,726,803, plus strand): 5'-GTTCTTATTATGCATAGCATTTCTTTTCTTCTTGATTCTTCTGAGCAGTATCCGGAGTTA[C>T]TCGTGGCTTCCTATAACAACAATGAAGATGCCCCTCATGAGCCTGATGGTGTGGCCCTTG-3'
Protein context (NP_001369.1, residues 285-305): LDWSSQYPEL[Leu295Phe]VASYNNNEDA

ClinVar aggregate classification (germline): Uncertain significance (1 of 4 stars; one submission).

Conditions:
Neurodevelopmental disorder with microcephaly and structural brain anomalies. Identifiers: Orphanet 699844, MedGen C5193123, MONDO:0032779, OMIM 618492.

Submission:

Juno Genomics, Hangzhou Juno Genomics, Inc
Classification: Uncertain significance for Neurodevelopmental disorder with microcephaly and structural brain anomalies. Review status: criteria provided, single submitter. Criteria: ACMG Guidelines, 2015. Collection method: clinical testing. Allele origin: germline.
Comment: Absent from controls (or at extremely low frequency if recessive) in Genome Aggregation Database.;Missense variant in a gene that has a low rate of benign missense variation.